The following is an entry in ClinVar:

NM_002224.4(ITPR3):c.717C>T (p.Asp239=)

Gene: ITPR3 (inositol 1,4,5-trisphosphate receptor type 3; plus strand). Cytogenetic location: 6p21.31.
Variant type: single nucleotide variant.
Coding change: c.717C>T on transcript NM_002224.4 (MANE Select); coding-DNA position 717, C replaced by T.
Protein change: p.Asp239=; no amino-acid change (aspartic acid 239 retained).
Molecular consequence: synonymous variant.
Genome position (GRCh38, 1-based): chr6:33,662,533, C>T. VCF-style: chr6-33662533-C-T. GRCh37 (hg19) VCF-style: chr6-33630310-C-T.
Identifiers: ClinVar variation 5039487 (VCV005039487.1).

ClinVar aggregate classification (germline): Likely benign (1 of 4 stars; one submission).

gnomAD v4.1: 14 of 1,592,300 alleles (0.00088%); highest among the groups gnomAD compares: Admixed American, 0.0052%; no homozygotes.

Submission:

CeGaT Center for Human Genetics Tuebingen
Classification: Likely benign. Last evaluated: 2026-08-01. Review status: criteria provided, single submitter. Criteria: CeGaT Center For Human Genetics Tuebingen Variant Classification Criteria Version 2. Collection method: clinical testing. Allele origin: germline. Affected: yes. Observed: 1 variant allele.
Comment: ITPR3: BP4, BP7